The following is an entry in ClinVar:

ClinVar aggregate classification (germline): Uncertain significance (1 of 4 stars; one submission).

gnomAD v4.1: 2 of 1,613,926 alleles (0.00012%); highest among the groups gnomAD compares: Admixed American, 0.0033%; no homozygotes.

Submission:

Labcorp Genetics (formerly Invitae), Labcorp
Classification: Uncertain significance. Last evaluated: 2024-02-06. Review status: criteria provided, single submitter. Criteria: Invitae Variant Classification Sherloc (09022015). Collection method: clinical testing. Allele origin: germline.
Comment: This sequence change replaces asparagine, which is neutral and polar, with serine, which is neutral and polar, at codon 459 of the C8B protein (p.Asn459Ser). This variant is not present in population databases (gnomAD no frequency). This variant has not been reported in the literature in individuals affected with C8B-related conditions. An algorithm developed to predict the effect of missense changes on protein structure and function (PolyPhen-2) suggests that this variant is likely to be disruptive. In summary, the available evidence is currently insufficient to determine the role of this variant in disease. Therefore, it has been classified as a Variant of Uncertain Significance.

NM_000066.4(C8B):c.1376A>G (p.Asn459Ser)

Gene: C8B (complement C8 beta chain; minus strand). Cytogenetic location: 1p32.2.
Variant type: single nucleotide variant.
Coding change: c.1376A>G on transcript NM_000066.4 (MANE Select); coding-DNA position 1376, A replaced by G.
Protein change: p.Asn459Ser; replaces asparagine 459 with serine.
Molecular consequence: missense variant.
Genome position (GRCh38, 1-based): chr1:56,940,871, T>C on the plus strand (A>G on the coding strand, the complement: C8B is on the minus strand). VCF-style: chr1-56940871-T-C. GRCh37 (hg19) VCF-style: chr1-57406544-T-C.
Other names: c.1220A>G, p.Asn407Ser (NM_001278543.2); c.1190A>G, p.Asn397Ser (NM_001278544.2); short protein forms N397S, N407S, N459S.
Identifiers: ClinVar variation 3626632 (VCV003626632.2).